The following is an entry in ClinVar:

ClinVar aggregate classification (germline): Pathogenic (1 of 4 stars; one submission).

Conditions:
Combined immunodeficiency due to ZAP70 deficiency (IMD48). Also called: Immunodeficiency 48; ZAP70 Deficiency. Identifiers: Orphanet 911, MedGen C2931299, MONDO:0010023, OMIM 269840.

Submission:

Labcorp Genetics (formerly Invitae), Labcorp
Classification: Pathogenic for Combined immunodeficiency due to ZAP70 deficiency. Last evaluated: 2024-02-24. Review status: criteria provided, single submitter. Criteria: Invitae Variant Classification Sherloc (09022015). Collection method: clinical testing. Allele origin: germline.
Comment: This sequence change creates a premature translational stop signal (p.Tyr506*) in the ZAP70 gene. It is expected to result in an absent or disrupted protein product. Loss-of-function variants in ZAP70 are known to be pathogenic (PMID: 8202712). This variant is not present in population databases (gnomAD no frequency). This variant has not been reported in the literature in individuals affected with ZAP70-related conditions. ClinVar contains an entry for this variant (Variation ID: 1390316). For these reasons, this variant has been classified as Pathogenic.

Literature cited by the submitters: PubMed 8202712.

NM_001079.4(ZAP70):c.1518C>A (p.Tyr506Ter)

Gene: ZAP70 (zeta chain of T cell receptor associated protein kinase 70; plus strand). Cytogenetic location: 2q11.2.
Variant type: single nucleotide variant.
Coding change: c.1518C>A on transcript NM_001079.4 (MANE Select); coding-DNA position 1518, C replaced by A.
Protein change: p.Tyr506Ter; replaces tyrosine 506 with a stop codon.
Molecular consequence: nonsense.
Genome position (GRCh38, 1-based): chr2:97,737,792, C>A. VCF-style: chr2-97737792-C-A. GRCh37 (hg19) VCF-style: chr2-98354255-C-A.
Other names: c.1518C>A, p.Tyr506Ter (NM_001378594.1); c.597C>A, p.Tyr199Ter (NM_207519.2); short protein forms Y199*, Y506*.
Identifiers: ClinVar variation 1390316 (VCV001390316.6), dbSNP rs750794851, ClinGen allele CA347804134.